The following is an entry in ClinVar:

ClinVar aggregate classification (germline): Uncertain significance (1 of 4 stars; one submission).

Conditions:
Cardiovascular phenotype. Identifiers: MedGen CN230736.

Submission:

Ambry Genetics
Classification: Uncertain significance for Cardiovascular phenotype. Last evaluated: 2024-12-07. Review status: criteria provided, single submitter. Criteria: Ambry Variant Classification Scheme 2023. Collection method: clinical testing. Allele origin: germline.
Comment: The p.A3741V variant (also known as c.11222C>T), located in coding exon 46 of the AKAP9 gene, results from a C to T substitution at nucleotide position 11222. The alanine at codon 3741 is replaced by valine, an amino acid with similar properties. This amino acid position is conserved. In addition, this alteration is predicted to be tolerated by in silico analysis. Based on the available evidence, the clinical significance of this variant remains unclear.

NM_005751.5(AKAP9):c.11222C>T (p.Ala3741Val)

Gene: AKAP9 (A-kinase anchoring protein 9; plus strand). Cytogenetic location: 7q21.2.
Variant type: single nucleotide variant.
Coding change: c.11222C>T on transcript NM_005751.5 (MANE Select); coding-DNA position 11222, C replaced by T.
Protein change: p.Ala3741Val; replaces alanine 3741 with valine.
Molecular consequence: missense variant.
Genome position (GRCh38, 1-based): chr7:92,102,718, C>T. VCF-style: chr7-92102718-C-T. GRCh37 (hg19) VCF-style: chr7-91732032-C-T.
Other names: c.5867C>T, p.Ala1956Val (NM_001379277.1); c.11198C>T, p.Ala3733Val (NM_147185.3); short protein forms A1956V, A3733V, A3741V.
Identifiers: ClinVar variation 3517419 (VCV003517419.1).
Genomic context (GRCh38, chr7:92,102,718, plus strand): 5'-ACCTGCTGCTGTTACTGGGTGGGTTCCAGGAATGTGAAGATGCCACCTTGGCCCTGCTTG[C>T]CCGGATGGGGGGGCAGCCAGCTTTCACGGATCTAGAGGTGATCACCAATCGCCCAAAGGG-3'
Protein context (NP_005742.4, residues 3731-3751): ECEDATLALL[Ala3741Val]RMGGQPAFTD